The following is an entry in ClinVar:

NM_006035.4(CDC42BPB):c.3089T>G (p.Ile1030Ser)

Gene: CDC42BPB (CDC42 binding protein kinase beta; minus strand). Cytogenetic location: 14q32.32.
Variant type: single nucleotide variant.
Coding change: c.3089T>G on transcript NM_006035.4 (MANE Select); coding-DNA position 3089, T replaced by G.
Protein change: p.Ile1030Ser; replaces isoleucine 1030 with serine.
Molecular consequence: missense variant.
Genome position (GRCh38, 1-based): chr14:102,952,581, A>C on the plus strand (T>G on the coding strand, the complement: CDC42BPB is on the minus strand). VCF-style: chr14-102952581-A-C. GRCh37 (hg19) VCF-style: chr14-103418918-A-C.
Other names: c.3011T>G, p.Ile1004Ser (NM_001411054.1); short protein forms I1004S, I1030S.
Identifiers: ClinVar variation 2501409 (VCV002501409.1), dbSNP rs2542804754, ClinGen allele CA391079186.
Genomic context (GRCh38, chr14:102,952,581, plus strand): 5'-ATCAGCCCAACCATCAGGGAGGTGCAGTGGCTGCACTGAGTAGGGCTGGAGAAGGACTTG[A>C]TGCTGAACTGGTGAGCTTTTGGCTGGAAGGAGAAAATCAAGAACACTGAGGTGAACCATG-3'
Protein context (NP_006026.3, residues 1020-1040): GPKPKAHQFS[Ile1030Ser]KSFSSPTQCS

ClinVar aggregate classification (germline): Uncertain significance (1 of 4 stars; one submission).

Submission:

GeneDx
Classification: Uncertain significance. Last evaluated: 2022-10-26. Review status: criteria provided, single submitter. Criteria: GeneDx Variant Classification Process June 2021. Collection method: clinical testing. Allele origin: germline. Affected: yes.
Comment: Not observed at significant frequency in large population cohorts (gnomAD); In silico analysis supports that this missense variant has a deleterious effect on protein structure/function; Has not been previously published as pathogenic or benign to our knowledge